The following is an entry in ClinVar:

ClinVar aggregate classification (germline): Uncertain significance. Review status: criteria provided, multiple submitters, no conflicts (2 of 4 stars). 2 submissions from 2 submitters: Uncertain significance (2). Last evaluated 2025-12-10.

Conditions:
Hereditary cancer-predisposing syndrome. Also called: Hereditary Cancer Syndrome; Hereditary neoplastic syndrome; Neoplastic Syndromes, Hereditary; Tumor predisposition. Identifiers: Orphanet 140162, MedGen C0027672, MeSH D009386, MONDO:0015356.
EGFR-related lung cancer (EGFR). Identifiers: MedGen CN130014.

gnomAD v4.1: 1 of 1,614,236 alleles (0.000062%); highest among the groups gnomAD compares: Non-Finnish European, 0.000085%; no homozygotes.

Submissions (2):

Labcorp Genetics (formerly Invitae), Labcorp
Classification: Uncertain significance for EGFR-related lung cancer. Last evaluated: 2025-12-10. Review status: criteria provided, single submitter. Criteria: Invitae Variant Classification Sherloc (09022015). Collection method: clinical testing. Allele origin: germline.
Comment: This sequence change replaces threonine, which is neutral and polar, with isoleucine, which is neutral and non-polar, at codon 273 of the EGFR protein (p.Thr273Ile). This variant is not present in population databases (gnomAD no frequency). This variant has not been reported in the literature in individuals affected with EGFR-related conditions. ClinVar contains an entry for this variant (Variation ID: 4247326). Invitae Evidence Modeling of protein sequence and biophysical properties (such as structural, functional, and spatial information, amino acid conservation, physicochemical variation, residue mobility, and thermodynamic stability) indicates that this missense variant is not expected to disrupt EGFR protein function with a negative predictive value of 80%. In summary, the available evidence is currently insufficient to determine the role of this variant in disease. Therefore, it has been classified as a Variant of Uncertain Significance.

Ambry Genetics
Classification: Uncertain significance for Hereditary cancer-predisposing syndrome. Last evaluated: 2025-08-01. Review status: criteria provided, single submitter. Criteria: Ambry Variant Classification Scheme 2023. Collection method: clinical testing. Allele origin: germline.
Comment: The p.T273I variant (also known as c.818C>T), located in coding exon 7 of the EGFR gene, results from a C to T substitution at nucleotide position 818. The threonine at codon 273 is replaced by isoleucine, an amino acid with similar properties. This amino acid position is conserved. In addition, the in silico prediction for this alteration is inconclusive. Based on the available evidence, the clinical significance of this variant remains unclear.

NM_005228.5(EGFR):c.818C>T (p.Thr273Ile)

Gene: EGFR (epidermal growth factor receptor; plus strand). Cytogenetic location: 7p11.2.
Variant type: single nucleotide variant.
Coding change: c.818C>T on transcript NM_005228.5 (MANE Select); coding-DNA position 818, C replaced by T.
Protein change: p.Thr273Ile; replaces threonine 273 with isoleucine.
Molecular consequence: missense variant. On other transcripts: intron variant (1).
Genome position (GRCh38, 1-based): chr7:55,154,081, C>T. VCF-style: chr7-55154081-C-T. GRCh37 (hg19) VCF-style: chr7-55221774-C-T.
Other names: c.818C>T, p.Thr273Ile (NM_201283.2, NM_201284.2, NM_001346898.2 and 1 more transcripts); c.89-1749C>T (NM_001346941.2); c.683C>T, p.Thr228Ile (NM_001346897.2, NM_001346899.2); c.659C>T, p.Thr220Ile (NM_001346900.2); short protein forms T220I, T228I, T273I.
Identifiers: ClinVar variation 4247326 (VCV004247326.2).
Genomic context (GRCh38, chr7:55,154,081, plus strand): 5'-AATTCCGAGACGAAGCCACGTGCAAGGACACCTGCCCCCCACTCATGCTCTACAACCCCA[C>T]CACGTACCAGATGGATGTGAACCCCGAGGGCAAATACAGCTTTGGTGCCACCTGCGTGAA-3'
Protein context (NP_005219.2, residues 263-283): TCPPLMLYNP[Thr273Ile]TYQMDVNPEG